The following is an entry in ClinVar:

NM_000548.5(TSC2):c.1600-19C>T

Gene: TSC2 (TSC complex subunit 2; plus strand). Cytogenetic location: 16p13.3.
Variant type: single nucleotide variant.
Coding change: c.1600-19C>T on transcript NM_000548.5 (MANE Select); 19 bases into the intron before coding-DNA position 1600, C replaced by T.
Molecular consequence: intron variant.
Genome position (GRCh38, 1-based): chr16:2,065,500, C>T. VCF-style: chr16-2065500-C-T. GRCh37 (hg19) VCF-style: chr16-2115501-C-T.
Other names: c.256-19C>T (NM_001406693.1, NM_001406689.1, NM_001406690.1 and 6 more transcripts); c.1690-19C>T (NM_001406667.1, NM_001406668.1); c.1000-19C>T (NM_001406680.1, NM_001406683.1, NM_001406687.1 and 6 more transcripts); c.-3-19C>T (NM_001406698.1); c.1600-19C>T (NM_001114382.3, NM_001406663.1, NM_001406664.1 and 6 more transcripts); c.1588-19C>T (NM_001406671.1, NM_001406673.1); c.1138-19C>T (NM_001406681.1); c.1489-19C>T (NM_001406670.1, NM_001318827.2, NM_001406678.1); and 3 more.
Identifiers: ClinVar variation 2806813 (VCV002806813.4), dbSNP rs1397268426, ClinGen allele CA656219171.

ClinVar aggregate classification (germline): Likely benign. Review status: criteria provided, multiple submitters, no conflicts (2 of 4 stars). 2 submissions from 2 submitters: Likely benign (2). Last evaluated 2025-08-27.

Conditions:
Tuberous sclerosis 2 (TSC2). Identifiers: Orphanet 805, MedGen C1860707, MONDO:0013199, OMIM 613254.

Submissions (2):

Labcorp Genetics (formerly Invitae), Labcorp
Classification: Likely benign for Tuberous sclerosis 2. Last evaluated: 2025-08-27. Review status: criteria provided, single submitter. Criteria: Invitae Variant Classification Sherloc (09022015). Collection method: clinical testing. Allele origin: germline.

Myriad Genetics, Inc.
Classification: Likely benign for Tuberous sclerosis 2. Last evaluated: 2025-05-14. Review status: criteria provided, single submitter. Criteria: Myriad Autosomal Dominant, Autosomal Recessive and X-Linked Classification Criteria (2023). Collection method: clinical testing. Allele origin: unknown.
Comment: This variant is considered likely benign. This variant is intronic and is not expected to impact mRNA splicing.